The following is an entry in ClinVar:

NM_017563.5(IL17RD):c.1383C>T (p.Leu461=)

Genes: IL17RD (interleukin 17 receptor D; minus strand), LOC126806689 (BRD4-independent group 4 enhancer GRCh37_chr3:57131244-57132443; plus strand). Cytogenetic location: 3p14.3.
Variant type: single nucleotide variant.
Coding change: c.1383C>T on transcript NM_017563.5 (MANE Select); coding-DNA position 1383, C replaced by T.
Protein change: p.Leu461=; no amino-acid change (leucine 461 retained).
Molecular consequence: synonymous variant.
Genome position (GRCh38, 1-based): chr3:57,098,320, G>A on the plus strand (C>T on the coding strand, the complement: IL17RD is on the minus strand). VCF-style: chr3-57098320-G-A. GRCh37 (hg19) VCF-style: chr3-57132348-G-A.
Other names: c.951C>T, p.Leu317= (NM_001318864.2).
Identifiers: ClinVar variation 723666 (VCV000723666.11), dbSNP rs183951583, ClinGen allele CA2462750.
Genomic context (GRCh38, chr3:57,098,320, plus strand): 5'-ATCAAAGTAGACGGCGATAAACTTGCTGAGCGCCGCGGACGAACTCTGCTTGGCCTGGCG[G>A]AGCTTTTCGGCAATGGCTGACACCGCCACCAGGAAGAGCTCTCCTTTCCCCGAGCCTCGG-3'
Protein context (NP_060033.3, residues 451-471): LVAVSAIAEK[Leu461=]RQAKQSSSAA

ClinVar aggregate classification (germline): Benign/Likely benign. Review status: criteria provided, multiple submitters, no conflicts (2 of 4 stars). 4 submissions from 4 submitters: Benign (2); Likely benign (1). 1 of the submissions does not count toward it. Last evaluated 2025-06-04.

Conditions:
IL17RD-related disorder. Also called: IL17RD-related condition.

Allele frequency attached by ClinVar (database versions not stated): gnomAD 0.00020 and 0.00032; gnomAD exomes 0.00024 and 0.00057; TOPMed 0.00032; ExAC 0.00058; 1000 Genomes Project 30x 0.00062; 1000 Genomes Project 0.00080.
gnomAD v4.1: 397 of 1,614,014 alleles (0.025%); highest among the groups gnomAD compares: East Asian, 0.73%; no homozygotes.

Submissions (4):

Labcorp Genetics (formerly Invitae), Labcorp
Classification: Benign. Last evaluated: 2025-06-04. Review status: criteria provided, single submitter. Criteria: Invitae Variant Classification Sherloc (09022015). Collection method: clinical testing. Allele origin: germline.

Blueprint Genetics
Classification: Likely benign. Last evaluated: 2024-11-06. Review status: criteria provided, single submitter. Criteria: ACMG Guidelines, 2015. Collection method: clinical testing. Allele origin: germline.

Breakthrough Genomics
Classification: Benign. Review status: criteria provided, single submitter. Criteria: ACMG Guidelines, 2015. Collection method: not provided. Allele origin: germline. Inheritance: Autosomal dominant inheritance. Affected: yes.

PreventionGenetics, part of Exact Sciences
Classification: Benign for IL17RD-related condition. Last evaluated: 2019-09-17. Review status: no assertion criteria provided. Collection method: clinical testing. Allele origin: germline. Not counted in ClinVar's aggregate classification.
Comment: This variant is classified as benign based on ACMG/AMP sequence variant interpretation guidelines (Richards et al. 2015 PMID: 25741868, with internal and published modifications).